The following is an entry in ClinVar:

NM_001009944.3(PKD1):c.1148C>A (p.Ser383Ter)

Gene: PKD1 (polycystin 1, transient receptor potential channel interacting; minus strand). Cytogenetic location: 16p13.3.
Variant type: single nucleotide variant.
Coding change: c.1148C>A on transcript NM_001009944.3 (MANE Select); coding-DNA position 1148, C replaced by A.
Protein change: p.Ser383Ter; replaces serine 383 with a stop codon.
Molecular consequence: nonsense.
Genome position (GRCh38, 1-based): chr16:2,117,844, G>T on the plus strand (C>A on the coding strand, the complement: PKD1 is on the minus strand). VCF-style: chr16-2117844-G-T. GRCh37 (hg19) VCF-style: chr16-2167845-G-T.
Other names: c.1148C>A, p.Ser383Ter (NM_000296.4); short protein forms S383*.
Identifiers: ClinVar variation 488407 (VCV000488407.2), dbSNP rs1286585831, ClinGen allele CA394393097.

ClinVar aggregate classification (germline): Pathogenic (0 of 4 stars; one submission).

Conditions:
Polycystic kidney disease, adult type (PKD1). Also called: Polycystic Kidney Disease 1, Autosomal Dominant; Polycystic kidney disease 1; Polycystic kidney disease 1, severe; POLYCYSTIC KIDNEY DISEASE, ADULT, TYPE I; POLYCYSTIC KIDNEY DISEASE 1 WITH OR WITHOUT POLYCYSTIC LIVER DISEASE; Polycystic Kidney, Autosomal Dominant. Identifiers: MedGen C3149841, MONDO:0008263, OMIM 173900.

Submission:

Centre for Genetic Disorders, Banaras Hindu University
Classification: Pathogenic for Polycystic kidney disease, adult type. Last evaluated: 2016-12-30. Review status: no assertion criteria provided. Collection method: research. Allele origin: germline. Inheritance: Autosomal dominant inheritance. Affected: yes.
Comment: This variant was not present in 100 control individuals. NM_001009944.2:c.1148C>A (S383X) causes termination of protein synthesis at 383 amino acid. MutationTaster predicts this variant to cause the disease.